The following is an entry in ClinVar:

NM_001567.4(INPPL1):c.1083C>T (p.His361=)

Gene: INPPL1 (inositol polyphosphate phosphatase like 1; plus strand). Cytogenetic location: 11q13.4.
Variant type: single nucleotide variant.
Coding change: c.1083C>T on transcript NM_001567.4 (MANE Select); coding-DNA position 1083, C replaced by T.
Protein change: p.His361=; no amino-acid change (histidine 361 retained).
Molecular consequence: synonymous variant.
Genome position (GRCh38, 1-based): chr11:72,230,264, C>T. VCF-style: chr11-72230264-C-T. GRCh37 (hg19) VCF-style: chr11-71941308-C-T.
Identifiers: ClinVar variation 3031115 (VCV003031115.2), dbSNP rs748457346, ClinGen allele CA6169884.

ClinVar aggregate classification (germline): Likely benign (0 of 4 stars; one submission).

Conditions:
INPPL1-related disorder. Also called: INPPL1-related condition.

Allele frequency attached by ClinVar (database versions not stated): gnomAD exomes 0.00002; TOPMed 0.00003; ExAC 0.00004; gnomAD 0.00005.
gnomAD v4.1: 34 of 1,607,446 alleles (0.0021%); highest among the groups gnomAD compares: African/African-American, 0.0027%; no homozygotes.

Submission:

PreventionGenetics, part of Exact Sciences
Classification: Likely benign for INPPL1-related condition. Last evaluated: 2020-12-16. Review status: no assertion criteria provided. Collection method: clinical testing. Allele origin: germline.
Comment: This variant is classified as likely benign based on ACMG/AMP sequence variant interpretation guidelines (Richards et al. 2015 PMID: 25741868, with internal and published modifications).